The following is an entry in ClinVar:

NM_020778.5(ALPK3):c.53G>C (p.Gly18Ala)

Gene: ALPK3 (alpha kinase 3; plus strand). Cytogenetic location: 15q25.3.
Variant type: single nucleotide variant.
Coding change: c.53G>C on transcript NM_020778.5 (MANE Select); coding-DNA position 53, G replaced by C.
Protein change: p.Gly18Ala; replaces glycine 18 with alanine.
Molecular consequence: missense variant.
Genome position (GRCh38, 1-based): chr15:84,817,505, G>C. VCF-style: chr15-84817505-G-C. GRCh37 (hg19) VCF-style: chr15-85360736-G-C.
Other names: c.659G>C (NM_020778.4); short protein forms G18A.
Identifiers: ClinVar variation 4781377 (VCV004781377.2).

ClinVar aggregate classification (germline): Uncertain significance. Review status: criteria provided, multiple submitters, no conflicts (2 of 4 stars). 2 submissions from 2 submitters: Uncertain significance (2). Last evaluated 2026-05-13.

Conditions:
ALPK3-related disorder. Also called: ALPK3-related condition.

Submissions (2):

PreventionGenetics, part of Exact Sciences
Classification: Uncertain significance for ALPK3-related condition. Last evaluated: 2026-05-13. Review status: criteria provided, single submitter. Criteria: ACMG Guidelines, 2015. Collection method: clinical testing. Allele origin: germline.
Comment: The ALPK3 c.659G>C variant is predicted to result in the amino acid substitution p.Gly220Ala. To our knowledge, this variant has not been reported in the literature or in a large population database (gnomAD), indicating this variant is rare. At this time, the clinical significance of this variant is uncertain due to the absence of conclusive functional and genetic evidence.

Labcorp Genetics (formerly Invitae), Labcorp
Classification: Uncertain significance. Last evaluated: 2025-04-17. Review status: criteria provided, single submitter. Criteria: Invitae Variant Classification Sherloc (09022015). Collection method: clinical testing. Allele origin: germline.
Comment: This sequence change replaces glycine, which is neutral and non-polar, with alanine, which is neutral and non-polar, at codon 220 of the ALPK3 protein (p.Gly220Ala). This variant is not present in population databases (gnomAD no frequency). This variant has not been reported in the literature in individuals affected with ALPK3-related conditions. An algorithm developed to predict the effect of missense changes on protein structure and function (PolyPhen-2) suggests that this variant is likely to be disruptive. In summary, the available evidence is currently insufficient to determine the role of this variant in disease. Therefore, it has been classified as a Variant of Uncertain Significance.